The following is an entry in ClinVar:

ClinVar aggregate classification (germline): Uncertain significance. Review status: criteria provided, multiple submitters, no conflicts (2 of 4 stars). 2 submissions from 2 submitters: Uncertain significance (2). Last evaluated 2025-09-22.

Conditions:
Inborn genetic diseases. Identifiers: MedGen C0950123, MeSH D030342.

Allele frequency attached by ClinVar (database versions not stated): gnomAD exomes below 0.00001; TOPMed below 0.00001; gnomAD 0.00001.
gnomAD v4.1: 4 of 1,613,714 alleles (0.00025%); highest among the groups gnomAD compares: Non-Finnish European, 0.00034%; no homozygotes.

Submissions (2):

Ambry Genetics
Classification: Uncertain significance for Inborn genetic diseases. Last evaluated: 2025-09-22. Review status: criteria provided, single submitter. Criteria: Ambry Variant Classification Scheme 2023. Collection method: clinical testing. Allele origin: germline.

Labcorp Genetics (formerly Invitae), Labcorp
Classification: Uncertain significance. Last evaluated: 2023-06-09. Review status: criteria provided, single submitter. Criteria: Invitae Variant Classification Sherloc (09022015). Collection method: clinical testing. Allele origin: germline.
Comment: This sequence change replaces cysteine, which is neutral and slightly polar, with tyrosine, which is neutral and polar, at codon 813 of the DDX58 protein (p.Cys813Tyr). In summary, the available evidence is currently insufficient to determine the role of this variant in disease. Therefore, it has been classified as a Variant of Uncertain Significance. Advanced modeling of protein sequence and biophysical properties (such as structural, functional, and spatial information, amino acid conservation, physicochemical variation, residue mobility, and thermodynamic stability) performed at Invitae indicates that this missense variant is expected to disrupt DDX58 protein function. ClinVar contains an entry for this variant (Variation ID: 1044716). This variant has not been reported in the literature in individuals affected with DDX58-related conditions. This variant is present in population databases (no rsID available, gnomAD 0.01%).

NM_014314.4(RIGI):c.2438G>A (p.Cys813Tyr)

Genes: RIGI (RNA sensor RIG-I; minus strand), LOC101060445 (uncharacterized LOC101060445; plus strand). Cytogenetic location: 9p21.1.
Variant type: single nucleotide variant.
Coding change: c.2438G>A on transcript NM_014314.4 (MANE Select); coding-DNA position 2438, G replaced by A.
Protein change: p.Cys813Tyr; replaces cysteine 813 with tyrosine.
Molecular consequence: missense variant.
Genome position (GRCh38, 1-based): chr9:32,459,414, C>T on the plus strand (G>A on the coding strand, the complement: RIGI is on the minus strand). VCF-style: chr9-32459414-C-T. GRCh37 (hg19) VCF-style: chr9-32459412-C-T.
Other names: c.2432G>A, p.Cys811Tyr (NM_001385907.1); c.2267G>A, p.Cys756Tyr (NM_001385909.1); c.1997G>A, p.Cys666Tyr (NM_001385910.1); c.1829G>A, p.Cys610Tyr (NM_001385912.1); c.2423G>A, p.Cys808Tyr (NM_001385913.1); c.1994G>A, p.Cys665Tyr (NM_001385914.1); c.2438G>A (NM_014314.3); short protein forms C808Y, C756Y, C610Y, C666Y, C811Y, C665Y, C813Y.
Identifiers: ClinVar variation 1044716 (VCV001044716.9), dbSNP rs1286540189, ClinGen allele CA373144083.